The following is an entry in ClinVar:

ClinVar aggregate classification (germline): Uncertain significance (1 of 4 stars; one submission).

Submission:

GeneDx
Classification: Uncertain significance. Last evaluated: 2022-06-27. Review status: criteria provided, single submitter. Criteria: GeneDx Variant Classification Process June 2021. Collection method: clinical testing. Allele origin: germline. Affected: yes.
Comment: Not observed at significant frequency in large population cohorts (gnomAD); In silico analysis supports that this missense variant does not alter protein structure/function; Has not been previously published as pathogenic or benign to our knowledge

NM_014795.4(ZEB2):c.437A>G (p.Glu146Gly)

Gene: ZEB2 (zinc finger E-box binding homeobox 2; minus strand). Cytogenetic location: 2q22.3.
Variant type: single nucleotide variant.
Coding change: c.437A>G on transcript NM_014795.4 (MANE Select); coding-DNA position 437, A replaced by G.
Protein change: p.Glu146Gly; replaces glutamic acid 146 with glycine.
Molecular consequence: missense variant.
Genome position (GRCh38, 1-based): chr2:144,404,991, T>C on the plus strand (A>G on the coding strand, the complement: ZEB2 is on the minus strand). VCF-style: chr2-144404991-T-C. GRCh37 (hg19) VCF-style: chr2-145162558-T-C.
Other names: c.365A>G, p.Glu122Gly (NM_001171653.2); short protein forms E122G, E146G.
Identifiers: ClinVar variation 1810133 (VCV001810133.1), dbSNP rs2549110034, ClinGen allele CA348715525.